The following is an entry in ClinVar:

NM_006946.4(SPTBN2):c.4986-3C>T

Gene: SPTBN2 (spectrin beta, non-erythrocytic 2; minus strand). Cytogenetic location: 11q13.2.
Variant type: single nucleotide variant.
Coding change: c.4986-3C>T on transcript NM_006946.4 (MANE Select); 3 bases into the intron before coding-DNA position 4986, C replaced by T.
Molecular consequence: intron variant.
Genome position (GRCh38, 1-based): chr11:66,692,743, G>A on the plus strand (C>T on the coding strand, the complement: SPTBN2 is on the minus strand). VCF-style: chr11-66692743-G-A. GRCh37 (hg19) VCF-style: chr11-66460214-G-A.
Identifiers: ClinVar variation 1517813 (VCV001517813.6), dbSNP rs763710370, ClinGen allele CA6128395.
Genomic context (GRCh38, chr11:66,692,743, plus strand): 5'-CTCCTTCAGGCCGGCATACAGCTTGTCCACCTGGGCTTGGCGGATGGATATCCGAGTGCT[G>A]CAAGAAGAGTGAGGGAGGCACTGTGGGACTTAGGGGTGTAGCTCTGACCTCCGGTCTGTT-3'

ClinVar aggregate classification (germline): Uncertain significance (1 of 4 stars; one submission).

Allele frequency attached by ClinVar (database versions not stated): gnomAD exomes below 0.00001 and 0.00001; ExAC 0.00001.
gnomAD v4.1: 6 of 1,601,100 alleles (0.00037%); highest among the groups gnomAD compares: Middle Eastern, 0.016%; no homozygotes.

Submission:

Labcorp Genetics (formerly Invitae), Labcorp
Classification: Uncertain significance. Last evaluated: 2021-11-18. Review status: criteria provided, single submitter. Criteria: Invitae Variant Classification Sherloc (09022015). Collection method: clinical testing. Allele origin: germline.
Comment: In summary, the available evidence is currently insufficient to determine the role of this variant in disease. Therefore, it has been classified as a Variant of Uncertain Significance. Variants that disrupt the consensus splice site are a relatively common cause of aberrant splicing (PMID: 17576681, 9536098). Algorithms developed to predict the effect of sequence changes on RNA splicing suggest that this variant is not likely to affect RNA splicing. This variant has not been reported in the literature in individuals affected with SPTBN2-related conditions. This variant is present in population databases (rs763710370, gnomAD 0.003%). This sequence change falls in intron 24 of the SPTBN2 gene. It does not directly change the encoded amino acid sequence of the SPTBN2 protein. It affects a nucleotide within the consensus splice site.

Literature cited by the submitters: PubMed 17576681; PubMed 9536098.